The following is an entry in ClinVar:

ClinVar aggregate classification (germline): Pathogenic. Review status: criteria provided, multiple submitters, no conflicts (2 of 4 stars). 2 submissions from 2 submitters: Pathogenic (2). Last evaluated 2025-07-30.

Conditions:
Hereditary breast ovarian cancer syndrome. Also called: Hereditary breast and ovarian cancer syndrome (HBOC); Hereditary breast and ovarian cancer syndrome; Breast and ovarian cancer; Hereditary breast and ovarian cancer; Hereditary breast and/or ovarian cancer syndrome; BRCA1- and BRCA2-Associated Hereditary Breast and Ovarian Cancer. Identifiers: Orphanet 145, MedGen C0677776, MeSH D061325, MONDO:0003582. Disease mechanism: loss of function.
Hereditary cancer-predisposing syndrome. Also called: Neoplastic Syndromes, Hereditary; Tumor predisposition; Hereditary neoplastic syndrome; Hereditary Cancer Syndrome. Identifiers: Orphanet 140162, MedGen C0027672, MeSH D009386, MONDO:0015356.

Submissions (2):

Ambry Genetics
Classification: Pathogenic for Hereditary cancer-predisposing syndrome. Last evaluated: 2025-07-30. Review status: criteria provided, single submitter. Criteria: Ambry Variant Classification Scheme 2023. Collection method: clinical testing. Allele origin: germline.
Comment: The c.4699_4700dupGG variant, located in coding exon 14 of the BRCA1 gene, results from a duplication of GG at nucleotide position 4699, causing a translational frameshift with a predicted alternate stop codon (p.I1568Efs*34). This variant is considered to be rare based on population cohorts in the Genome Aggregation Database (gnomAD). This alteration is expected to result in loss of function by premature protein truncation or nonsense-mediated mRNA decay. As such, this alteration is interpreted as a disease-causing mutation.

Labcorp Genetics (formerly Invitae), Labcorp
Classification: Pathogenic for Hereditary breast ovarian cancer syndrome. Last evaluated: 2021-09-10. Review status: criteria provided, single submitter. Criteria: Invitae Variant Classification Sherloc (09022015). Collection method: clinical testing. Allele origin: germline.
Comment: This sequence change creates a premature translational stop signal (p.Ile1568Glufs*34) in the BRCA1 gene. It is expected to result in an absent or disrupted protein product. This variant is not present in population databases (ExAC no frequency). This variant has not been reported in the literature in individuals with BRCA1-related conditions. ClinVar contains an entry for this variant (Variation ID: 661222). Loss-of-function variants in BRCA1 are known to be pathogenic (PMID: 20104584). For these reasons, this variant has been classified as Pathogenic.

Literature cited by the submitters: PubMed 20104584 (cited by Labcorp Genetics (formerly Invitae), Labcorp).

NM_007294.4(BRCA1):c.4699_4700dup (p.Ile1568fs)

Gene: BRCA1 (BRCA1 DNA repair associated; minus strand). Cytogenetic location: 17q21.31.
Variant type: Duplication.
Coding change: c.4699_4700dup on transcript NM_007294.4 (MANE Select); coding-DNA positions 4699 to 4700, 2 bases duplicated (GG; older notation c.4699_4700dupGG).
Protein change: p.Ile1568fs; shifts the reading frame from isoleucine 1568.
Molecular consequence: frameshift variant. On other transcripts: non-coding transcript variant (1).
Genome position (GRCh38, 1-based): chr17:43,071,214-43,071,215, CC duplicated on the plus strand (GG on the coding strand, the reverse complement: BRCA1 is on the minus strand). VCF-style (leftmost placement, unchanged base first): chr17-43071213-T-TCC. GRCh37 (hg19) VCF-style: chr17-41223230-T-TCC.
Other names: c.4699_4700dupGG (NM_007294.3); c.4486_4487dup, p.Ile1497Glufs (NM_001407571.1, NM_001407894.1, NM_001407895.1 and 12 more transcripts); c.4765_4766dup, p.Ile1590Glufs (NM_001407581.1, NM_001407582.1); c.4762_4763dup, p.Ile1589Glufs (NM_001407583.1, NM_001407585.1, NM_001407587.1); c.4759_4760dup, p.Ile1588Glufs (NM_001407590.1, NM_001407591.1); c.4699_4700dup, p.Ile1568Glufs (NM_001407593.1, NM_001407594.1, NM_001407596.1 and 8 more transcripts); c.4696_4697dup, p.Ile1567Glufs (NM_001407610.1, NM_001407611.1, NM_001407612.1 and 17 more transcripts); c.4693_4694dup, p.Ile1566Glufs (NM_001407627.1, NM_001407628.1, NM_001407629.1 and 14 more transcripts); and 74 more; short protein forms I1589fs, I1568fs, I1521fs, I464fs.
Identifiers: ClinVar variation 661222 (VCV000661222.13), dbSNP rs1597831850, ClinGen allele CA915950116.